The following is an entry in ClinVar:

NM_001374736.1(DST):c.2629A>G (p.Thr877Ala)

Gene: DST (dystonin; minus strand). Cytogenetic location: 6p12.1.
Variant type: single nucleotide variant.
Coding change: c.2629A>G on transcript NM_001374736.1 (MANE Select); coding-DNA position 2629, A replaced by G.
Protein change: p.Thr877Ala; replaces threonine 877 with alanine.
Molecular consequence: missense variant.
Genome position (GRCh38, 1-based): chr6:56,639,764, T>C on the plus strand (A>G on the coding strand, the complement: DST is on the minus strand). VCF-style: chr6-56639764-T-C. GRCh37 (hg19) VCF-style: chr6-56504562-T-C.
Other names: c.2530A>G, p.Thr844Ala (NM_001144769.5); c.2116A>G, p.Thr706Ala (NM_001144770.2); c.2629A>G, p.Thr877Ala (NM_001374722.1); c.1996A>G, p.Thr666Ala (NM_001374729.1, NM_001374730.1, NM_001386100.1 and 1 more transcripts); c.2656A>G, p.Thr886Ala (NM_001374734.1); c.1018A>G, p.Thr340Ala (NM_001723.7, NM_015548.5); short protein forms T844A, T666A, T877A, T340A, T706A, T886A.
Identifiers: ClinVar variation 1970434 (VCV001970434.5), dbSNP rs2098869992, ClinGen allele CA364577861.

ClinVar aggregate classification (germline): Uncertain significance (1 of 4 stars; one submission).

Conditions:
Hereditary sensory and autonomic neuropathy type 6. Also called: Neuropathy, hereditary sensory and autonomic, type VI; HSAN VI. Identifiers: Orphanet 314381, MedGen C3539003, MONDO:0013839, OMIM 614653.
Epidermolysis bullosa simplex 3, localized or generalized intermediate, with BP230 deficiency (EBS3). Also called: Epidermolysis bullosa simplex due to BP230 deficiency; Epidermolysis bullosa simplex, autosomal recessive 2. Identifiers: Orphanet 412181, MedGen C3809470, MONDO:0014180, OMIM 615425.

Allele frequency attached by ClinVar (database versions not stated): gnomAD exomes below 0.00001.

Submission:

Labcorp Genetics (formerly Invitae), Labcorp
Classification: Uncertain significance for Epidermolysis bullosa simplex 3, localized or generalized intermediate, with BP230 deficiency; Hereditary sensory and autonomic neuropathy type 6. Last evaluated: 2024-08-06. Review status: criteria provided, single submitter. Criteria: Invitae Variant Classification Sherloc (09022015). Collection method: clinical testing. Allele origin: germline.
Comment: This sequence change replaces threonine, which is neutral and polar, with alanine, which is neutral and non-polar, at codon 340 of the DST protein (p.Thr340Ala). This variant is not present in population databases (gnomAD no frequency). This variant has not been reported in the literature in individuals affected with DST-related conditions. ClinVar contains an entry for this variant (Variation ID: 1970434). An algorithm developed to predict the effect of missense changes on protein structure and function (PolyPhen-2) suggests that this variant is likely to be disruptive. In summary, the available evidence is currently insufficient to determine the role of this variant in disease. Therefore, it has been classified as a Variant of Uncertain Significance.